The following is an entry in ClinVar:

ClinVar aggregate classification (germline): Uncertain significance (1 of 4 stars; one submission).

Submission:

Labcorp Genetics (formerly Invitae), Labcorp
Classification: Uncertain significance. Last evaluated: 2021-09-27. Review status: criteria provided, single submitter. Criteria: Invitae Variant Classification Sherloc (09022015). Collection method: clinical testing. Allele origin: germline.
Comment: In summary, the available evidence is currently insufficient to determine the role of this variant in disease. Therefore, it has been classified as a Variant of Uncertain Significance. Advanced modeling of protein sequence and biophysical properties (such as structural, functional, and spatial information, amino acid conservation, physicochemical variation, residue mobility, and thermodynamic stability) performed at Invitae indicates that this missense variant is expected to disrupt COL9A3 protein function. This variant has not been reported in the literature in individuals affected with COL9A3-related conditions. This variant is not present in population databases (ExAC no frequency). This sequence change replaces glycine with glutamic acid at codon 590 of the COL9A3 protein (p.Gly590Glu). The glycine residue is highly conserved and there is a moderate physicochemical difference between glycine and glutamic acid.

NM_001853.4(COL9A3):c.1769G>A (p.Gly590Glu)

Gene: COL9A3 (collagen type IX alpha 3 chain; plus strand). Cytogenetic location: 20q13.33.
Variant type: single nucleotide variant.
Coding change: c.1769G>A on transcript NM_001853.4 (MANE Select); coding-DNA position 1769, G replaced by A.
Protein change: p.Gly590Glu; replaces glycine 590 with glutamic acid.
Molecular consequence: missense variant.
Genome position (GRCh38, 1-based): chr20:62,837,248, G>A. VCF-style: chr20-62837248-G-A. GRCh37 (hg19) VCF-style: chr20-61468600-G-A.
Other names: short protein forms G590E.
Identifiers: ClinVar variation 1409920 (VCV001409920.6), dbSNP rs2147229755, ClinGen allele CA409599668.